The following is an entry in ClinVar:

NM_001042603.3(KDM5A):c.2391G>T (p.Val797=)

Gene: KDM5A (lysine demethylase 5A; minus strand). Cytogenetic location: 12p13.33.
Variant type: single nucleotide variant.
Coding change: c.2391G>T on transcript NM_001042603.3 (MANE Select); coding-DNA position 2391, G replaced by T.
Protein change: p.Val797=; no amino-acid change (valine 797 retained).
Molecular consequence: synonymous variant.
Genome position (GRCh38, 1-based): chr12:322,452, C>A on the plus strand (G>T on the coding strand, the complement: KDM5A is on the minus strand). VCF-style: chr12-322452-C-A. GRCh37 (hg19) VCF-style: chr12-431618-C-A.
Identifiers: ClinVar variation 4681554 (VCV004681554.5).

ClinVar aggregate classification (germline): Likely benign (1 of 4 stars; one submission).

Submission:

CeGaT Center for Human Genetics Tuebingen
Classification: Likely benign. Last evaluated: 2025-12-01. Review status: criteria provided, single submitter. Criteria: CeGaT Center For Human Genetics Tuebingen Variant Classification Criteria Version 2. Collection method: clinical testing. Allele origin: germline. Affected: yes. Observed: 1 variant allele.
Comment: KDM5A: PM2:Supporting, BP4, BP7